The following is an entry in ClinVar:

NM_001101362.3(KBTBD13):c.575_585del (p.Ala192fs)

Gene: KBTBD13 (kelch repeat and BTB domain containing 13; plus strand). Cytogenetic location: 15q22.31.
Variant type: Deletion.
Coding change: c.575_585del on transcript NM_001101362.3 (MANE Select); coding-DNA positions 575 to 585, 11 bases deleted (CGCTGCCCCTG).
Protein change: p.Ala192fs; shifts the reading frame from alanine 192.
Molecular consequence: frameshift variant.
Genome position (GRCh38, 1-based): chr15:65,077,390-65,077,400, CGCTGCCCCTG deleted; deleting any 11 consecutive bases within chr15:65,077,387-65,077,400 gives the same sequence; the c. name uses the placement nearest the transcript's 3' end. VCF-style (leftmost placement, unchanged base first): chr15-65077386-GCTGCGCTGCCC-G. GRCh37 (hg19) VCF-style: chr15-65369724-GCTGCGCTGCCC-G.
Other names: short protein forms A192fs.
Identifiers: ClinVar variation 3682519 (VCV003682519.2).

ClinVar aggregate classification (germline): Uncertain significance (1 of 4 stars; one submission).

Conditions:
Nemaline myopathy 6 (NEM6). Also called: Nemaline myopathy 6, autosomal dominant. Identifiers: Orphanet 171439, MedGen C1836472, MONDO:0012237, OMIM 609273.

Submission:

Labcorp Genetics (formerly Invitae), Labcorp
Classification: Uncertain significance for Nemaline myopathy 6. Last evaluated: 2024-02-16. Review status: criteria provided, single submitter. Criteria: Invitae Variant Classification Sherloc (09022015). Collection method: clinical testing. Allele origin: germline.
Comment: This sequence change creates a premature translational stop signal (p.Ala192Glyfs*55) in the KBTBD13 gene. While this is not anticipated to result in nonsense mediated decay, it is expected to disrupt the last 267 amino acid(s) of the KBTBD13 protein. This variant is not present in population databases (gnomAD no frequency). This variant has not been reported in the literature in individuals affected with KBTBD13-related conditions. Experimental studies and prediction algorithms are not available or were not evaluated, and the functional significance of this variant is currently unknown. In summary, the available evidence is currently insufficient to determine the role of this variant in disease. Therefore, it has been classified as a Variant of Uncertain Significance.